The following is an entry in ClinVar:

ClinVar aggregate classification (germline): Benign/Likely benign. Review status: criteria provided, multiple submitters, no conflicts (2 of 4 stars). 2 submissions from 2 submitters: Benign (1); Likely benign (1). Last evaluated 2025-03-27.

Conditions:
Peutz-Jeghers syndrome (PJS). Also called: Peutz-Jeghers polyposis; Periorificial lentiginosis syndrome; POLYPOSIS, HAMARTOMATOUS INTESTINAL; POLYPS-AND-SPOTS SYNDROME. Identifiers: Orphanet 2869, MedGen C0031269, MeSH D010580, MONDO:0008280, OMIM 175200.

Allele frequency attached by ClinVar (database versions not stated): gnomAD exomes below 0.00001; gnomAD 0.00001.

Submissions (2):

Myriad Genetics, Inc.
Classification: Benign for Peutz-Jeghers syndrome. Last evaluated: 2025-03-27. Review status: criteria provided, single submitter. Criteria: Myriad Autosomal Dominant, Autosomal Recessive and X-Linked Classification Criteria (2023). Collection method: clinical testing. Allele origin: unknown.
Comment: This variant is considered benign. This variant is a silent/synonymous amino acid change and it is not expected to impact splicing.

Labcorp Genetics (formerly Invitae), Labcorp
Classification: Likely benign for Peutz-Jeghers syndrome. Last evaluated: 2020-03-05. Review status: criteria provided, single submitter. Criteria: Invitae Variant Classification Sherloc (09022015). Collection method: clinical testing. Allele origin: germline.

NM_000455.5(STK11):c.879A>G (p.Glu293=)

Gene: STK11 (serine/threonine kinase 11; plus strand). Cytogenetic location: 19p13.3.
Variant type: single nucleotide variant.
Coding change: c.879A>G on transcript NM_000455.5 (MANE Select); coding-DNA position 879, A replaced by G.
Protein change: p.Glu293=; no amino-acid change (glutamic acid 293 retained).
Molecular consequence: synonymous variant.
Genome position (GRCh38, 1-based): chr19:1,221,965, A>G. VCF-style: chr19-1221965-A-G. GRCh37 (hg19) VCF-style: chr19-1221964-A-G.
Identifiers: ClinVar variation 1081505 (VCV001081505.10), dbSNP rs2080787486, ClinGen allele CA504707681.